The following is an entry in ClinVar:

ClinVar aggregate classification (germline): Uncertain significance. Review status: criteria provided, multiple submitters, no conflicts (2 of 4 stars). 2 submissions from 2 submitters: Uncertain significance (2). Last evaluated 2026-06-17.

Conditions:
Hereditary cancer-predisposing syndrome. Also called: Neoplastic Syndromes, Hereditary; Hereditary Cancer Syndrome; Tumor predisposition; Hereditary neoplastic syndrome. Identifiers: Orphanet 140162, MedGen C0027672, MeSH D009386, MONDO:0015356.
Familial adenomatous polyposis 1 (FAP1). Also called: FAMILIAL ADENOMATOUS POLYPOSIS 1, ATTENUATED; POLYPOSIS, ADENOMATOUS INTESTINAL. Identifiers: MedGen C2713442, MONDO:0021056, OMIM 175100. Disease mechanism: loss of function.

gnomAD v4.1: 1 of 1,613,996 alleles (0.000062%); no homozygotes.

Submissions (2):

Ambry Genetics
Classification: Uncertain significance for Hereditary cancer-predisposing syndrome. Last evaluated: 2026-06-17. Review status: criteria provided, single submitter. Criteria: Ambry Variant Classification Scheme 2023. Collection method: clinical testing. Allele origin: germline.
Comment: The p.V2757L variant (also known as c.8269G>T), located in coding exon 15 of the APC gene, results from a G to T substitution at nucleotide position 8269. The valine at codon 2757 is replaced by leucine, an amino acid with highly similar properties. This amino acid position is conserved. In addition, in silico predictors for this gene do not accurately predict pathogenicity. Based on the available evidence, the clinical significance of this variant remains unclear.

Labcorp Genetics (formerly Invitae), Labcorp
Classification: Uncertain significance for Familial adenomatous polyposis 1. Last evaluated: 2019-05-10. Review status: criteria provided, single submitter. Criteria: Invitae Variant Classification Sherloc (09022015). Collection method: clinical testing. Allele origin: germline.
Comment: Algorithms developed to predict the effect of missense changes on protein structure and function (SIFT, PolyPhen-2, Align-GVGD) all suggest that this variant is likely to be tolerated, but these predictions have not been confirmed by published functional studies and their clinical significance is uncertain. In summary, the available evidence is currently insufficient to determine the role of this variant in disease. Therefore, it has been classified as a Variant of Uncertain Significance. This variant has not been reported in the literature in individuals with APC-related conditions. This sequence change replaces valine with leucine at codon 2757 of the APC protein (p.Val2757Leu). The valine residue is weakly conserved and there is a small physicochemical difference between valine and leucine. This variant is not present in population databases (ExAC no frequency).

NM_000038.6(APC):c.8269G>T (p.Val2757Leu)

Gene: APC (APC regulator of Wnt signaling pathway; plus strand). Cytogenetic location: 5q22.2.
Variant type: single nucleotide variant.
Coding change: c.8269G>T on transcript NM_000038.6 (MANE Select); coding-DNA position 8269, G replaced by T.
Protein change: p.Val2757Leu; replaces valine 2757 with leucine.
Molecular consequence: missense variant.
Genome position (GRCh38, 1-based): chr5:112,843,863, G>T. VCF-style: chr5-112843863-G-T. GRCh37 (hg19) VCF-style: chr5-112179560-G-T.
Other names: c.8269G>T, p.Val2757Leu (NM_001127510.3, NM_001354895.2); c.8215G>T, p.Val2739Leu (NM_001127511.3); c.8323G>T, p.Val2775Leu (NM_001354896.2); c.8299G>T, p.Val2767Leu (NM_001354897.2); c.8194G>T, p.Val2732Leu (NM_001354898.2); c.8185G>T, p.Val2729Leu (NM_001354899.2); c.8146G>T, p.Val2716Leu (NM_001354900.2); c.8092G>T, p.Val2698Leu (NM_001354901.2); and 5 more; short protein forms V2631L, V2656L, V2739L, V2757L, V2474L, V2597L, V2698L, V2767L.
Identifiers: ClinVar variation 939669 (VCV000939669.12), dbSNP rs1766699228, ClinGen allele CA16039277.